The following is an entry in ClinVar:

ClinVar aggregate classification (germline): Uncertain significance (1 of 4 stars; one submission).

Conditions:
Aortic valve disease 2 (AOVD2). Identifiers: MedGen C3542024, MONDO:0013902, OMIM 614823.

Submission:

Labcorp Genetics (formerly Invitae), Labcorp
Classification: Uncertain significance for Aortic valve disease 2. Last evaluated: 2025-06-29. Review status: criteria provided, single submitter. Criteria: Invitae Variant Classification Sherloc (09022015). Collection method: clinical testing. Allele origin: germline.
Comment: This sequence change creates a premature translational stop signal (p.Gly81Profs*36) in the SMAD6 gene. It is expected to result in an absent or disrupted protein product. However, the current clinical and genetic evidence is not sufficient to establish whether loss-of-function variants in SMAD6 cause disease. This variant is not present in population databases (gnomAD no frequency). This premature translational stop signal has been observed in individual(s) with radioulnar synostosis (PMID: 34953066). In summary, the available evidence is currently insufficient to determine the role of this variant in disease. Therefore, it has been classified as a Variant of Uncertain Significance.

Literature cited by the submitters: PubMed 34953066.

NM_005585.5(SMAD6):c.237_261del (p.Gly81fs)

Gene: SMAD6 (SMAD family member 6; plus strand). Cytogenetic location: 15q22.31.
Variant type: Deletion.
Coding change: c.237_261del on transcript NM_005585.5 (MANE Select); coding-DNA positions 237 to 261, 25 bases deleted (CGCGGGGAGGCGCCGGCGCGCAGGG).
Protein change: p.Gly81fs; shifts the reading frame from glycine 81.
Molecular consequence: frameshift variant. On other transcripts: non-coding transcript variant (1).
Genome position (GRCh38, 1-based): chr15:66,703,495-66,703,519, CGCGGGGAGGCGCCGGCGCGCAGGG deleted; deleting any 25 consecutive bases within chr15:66,703,490-66,703,519 gives the same sequence; the c. name uses the placement nearest the transcript's 3' end. VCF-style (leftmost placement, unchanged base first): chr15-66703489-CCAGGGCGCGGGGAGGCGCCGGCGCG-C. GRCh37 (hg19) VCF-style: chr15-66995827-CCAGGGCGCGGGGAGGCGCCGGCGCG-C.
Other names: short protein forms G81fs.
Identifiers: ClinVar variation 4811177 (VCV004811177.1).